The following continues an entry in ClinVar:

NM_006005.3(WFS1):c.2648_2651del (p.Phe883fs)

Gene: WFS1. ClinVar aggregate classification (germline): Pathogenic/Likely pathogenic. Pathogenic (12); Likely pathogenic (1).

Submissions 10 to 16 of 16:

Victorian Clinical Genetics Services, Murdoch Childrens Research Institute
Classification: Pathogenic for Wolfram syndrome 1. Last evaluated: 2021-05-06. Review status: criteria provided, single submitter. Criteria: ACMG Guidelines, 2015. Collection method: clinical testing. Allele origin: germline. Inheritance: Autosomal recessive inheritance.
Comment: Based on the classification scheme VCGS_Germline_v1.3.4, this variant is classified as Pathogenic. Following criteria are met: 0102 - Loss of function is a known mechanism of disease in this gene and is associated with autosomal recessive Wolfram syndrome (MIM#222300). Dominant-negative is suggested for heterozygous missense variants causing autosomal dominant Wolfram-like syndrome (MIM#614296) (PMID: 32219690). (I) 0108 - This gene is associated with both recessive and dominant disease. Both deafness (MIM#600965) and Wolfram syndrome (MIM#222300) are inherited in an autosomal dominant manner while Wolfram-like syndrome (MIM#614296). A clear-genotype-phenotype correlation is currently unestablished. (I) 0208 - Variant is predicted to result in an elongated protein. (SP) 0251 - This variant is heterozygous. (I) 0304 - Variant is present in gnomAD <0.01 (v2: 26 heterozygotes, 0 homozygotes). (SP) 0703 - Other elongation variants comparable to the one identified in this case have moderate previous evidence for pathogenicity. At least two others have been reported in individuals with Wolfram syndrome (ClinVar). (SP) 0801 - This variant has strong previous evidence of pathogenicity for the recessive form of the disease in unrelated individuals. It has been reported in at least ten individuals with Wolfram syndrome in both homozygous and compound heterozygous states. It has also been classified as pathogenic by diagnostic laboratories in ClInvar (PMID: 10521293, 11260218, 15605410, 16151413, 28432734). (SP) 1208 - Inheritance information for this variant is not currently available in this individual. (I) Legend: (SP) - Supporting pathogenic, (I) - Information, (SB) - Supporting benign

CeGaT Center for Human Genetics Tuebingen
Classification: Pathogenic. Last evaluated: 2020-07-01. Review status: criteria provided, single submitter. Criteria: CeGaT Center For Human Genetics Tuebingen Variant Classification Criteria Version 2. Collection method: clinical testing. Allele origin: germline. Affected: yes. Observed: 1 variant allele.

Baylor Genetics
Classification: Pathogenic for Diabetes mellitus AND insipidus with optic atrophy AND deafness. Last evaluated: 2015-05-04. Review status: criteria provided, single submitter. Criteria: Yang et al. 2013. Collection method: clinical testing. Allele origin: paternal, germline. Inheritance: Autosomal recessive inheritance. Affected: yes. Observed: 2 variant alleles, 1 heterozygote, 1 compound heterozygote. Study: Adult_WES.
Comment: Variant is pathogenic in recessive state.

Clinical Genomics, Uppaluri K&H Personalized Medicine Clinic
Classification: Likely pathogenic for Wolfram syndrome 1. Review status: criteria provided, single submitter. Criteria: K & H Uppaluri Personalized Medicine Clinic Variant Classification & Assertion Criteria_Updated V.1. Collection method: research. Allele origin: unknown. Inheritance: Autosomal recessive inheritance.
Comment: Mutations in WFS1 gene are associated with Wolfram's syndrome, an autosomal recessive condition, which cause diabetes mellitus, diabetes insipidus, deafness and optic atrophy. rs797045076 variant is also seen in patients with Diabetes Mellitus. However, the role of this particular variant is yet to be ascertained.

OMIM
Classification: Pathogenic for WOLFRAM SYNDROME 1. Last evaluated: 2001-02-01. Review status: no assertion criteria provided. Collection method: literature only. Allele origin: germline. Not counted in ClinVar's aggregate classification.

Clinical Genetics DNA and cytogenetics Diagnostics Lab, Erasmus MC, Erasmus Medical Center
Classification: Likely pathogenic. Review status: no assertion criteria provided. Collection method: clinical testing. Allele origin: germline. Affected: yes. Study: VKGL Data-share Consensus. Not counted in ClinVar's aggregate classification.

Clinical Genetics, Academic Medical Center
Classification: Likely pathogenic. Review status: no assertion criteria provided. Collection method: clinical testing. Allele origin: germline. Affected: yes. Study: VKGL Data-share Consensus. Not counted in ClinVar's aggregate classification.

Literature cited by the submitters: PubMed 10521293 (cited by 5 submitters); PubMed 11260218 (cited by 4 submitters); PubMed 16151413 (cited by 4 submitters); PubMed 28432734 (cited by 3 submitters); PubMed 34006618 (cited by Pittsburgh Clinical Genomics Laboratory, University of Pittsburgh Medical Center); PubMed 1615141 (cited by Pittsburgh Clinical Genomics Laboratory, University of Pittsburgh Medical Center); PubMed 15605410 (cited by Pittsburgh Clinical Genomics Laboratory, University of Pittsburgh Medical Center and Victorian Clinical Genetics Services, Murdoch Childrens Research Institute); PubMed 33879153 (cited by Pittsburgh Clinical Genomics Laboratory, University of Pittsburgh Medical Center); PubMed 32219690 (cited by Victorian Clinical Genetics Services, Murdoch Childrens Research Institute); PubMed 26633545 (cited by Baylor Genetics).